The following is an entry in ClinVar:

NM_005902.4(SMAD3):c.1228G>T (p.Val410Phe)

Gene: SMAD3 (SMAD family member 3; plus strand). Cytogenetic location: 15q22.33.
Variant type: single nucleotide variant.
Coding change: c.1228G>T on transcript NM_005902.4 (MANE Select); coding-DNA position 1228, G replaced by T.
Protein change: p.Val410Phe; replaces valine 410 with phenylalanine.
Molecular consequence: missense variant.
Genome position (GRCh38, 1-based): chr15:67,190,486, G>T. VCF-style: chr15-67190486-G-T. GRCh37 (hg19) VCF-style: chr15-67482824-G-T.
Other names: p.V410F:GTC>TTC; c.913G>T, p.Val305Phe (NM_001145102.2); c.1096G>T, p.Val366Phe (NM_001145103.2); c.643G>T, p.Val215Phe (NM_001145104.2); short protein forms V410F, V215F, V366F, V305F.
Identifiers: ClinVar variation 213777 (VCV000213777.9), dbSNP rs863223748, ClinGen allele CA324931.

ClinVar aggregate classification (germline): Uncertain significance. Review status: criteria provided, multiple submitters, no conflicts (2 of 4 stars). 2 submissions from 2 submitters: Uncertain significance (2). Last evaluated 2023-05-19.

Conditions:
Familial thoracic aortic aneurysm and aortic dissection (TAAD). Also called: Thoracic aortic aneurysms and dissections. Identifiers: Orphanet 91387, MedGen C4707243, MONDO:0019625.

Submissions (2):

Labcorp Genetics (formerly Invitae), Labcorp
Classification: Uncertain significance for Familial thoracic aortic aneurysm and aortic dissection. Last evaluated: 2023-05-19. Review status: criteria provided, single submitter. Criteria: Invitae Variant Classification Sherloc (09022015). Collection method: clinical testing. Allele origin: germline.
Comment: This sequence change replaces valine, which is neutral and non-polar, with phenylalanine, which is neutral and non-polar, at codon 410 of the SMAD3 protein (p.Val410Phe). This variant is not present in population databases (gnomAD no frequency). This missense change has been observed in individual(s) with clinical features of SMAD3-related conditions (PMID: 30661052). ClinVar contains an entry for this variant (Variation ID: 213777). Advanced modeling performed at Invitae incorporating data from internal and/or published experimental studies (Invitae) indicates that this missense variant is not expected to disrupt SMAD3 function. In summary, the available evidence is currently insufficient to determine the role of this variant in disease. Therefore, it has been classified as a Variant of Uncertain Significance.

GeneDx
Classification: Uncertain significance. Last evaluated: 2015-05-08. Review status: criteria provided, single submitter. Criteria: GeneDx Variant Classification (06012015). Collection method: clinical testing. Allele origin: germline. Affected: yes.
Comment: A variant of unknown significance has been identified in the SMAD3 gene. The V410F variant has not been published as a mutation, nor has it been reported as a benign polymorphism to our knowledge. The V410F variant was not observed in approximately 6,500 individuals of European and African American ancestry in the NHLBI Exome Sequencing Project, indicating it is not a common benign variant in these populations. The V410F variant is a semi-conservative amino acid substitution, which may impact secondary protein structure as these residues differ in some properties. This substitution occurs at a position that is conserved across species and in silico analysis predicts this variant is probably damaging to the protein structure/function. However, only one missense mutation in a nearby residue (P403L) has been reported in association with aneurysms-osteoarthritis syndrome, indicating this region of the protein may be tolerant of change. Therefore, based on the currently available information, it is unclear whether this variant is a pathogenic mutation or a rare benign variant. This variant was found in SMAD3

Literature cited by the submitters: PubMed 30661052 (cited by Labcorp Genetics (formerly Invitae), Labcorp).